The following is an entry in ClinVar:

ClinVar aggregate classification (germline): Conflicting classifications of pathogenicity. Review status: criteria provided, conflicting classifications (1 of 4 stars). 3 submissions from 3 submitters: Pathogenic (1); Likely pathogenic (1); Uncertain significance (1). Last evaluated 2025-03-20.

Conditions:
Inborn genetic diseases. Identifiers: MedGen C0950123, MeSH D030342.
Vertebral, cardiac, renal, and limb defects syndrome 3. Also called: CONGENITAL NAD DEFICIENCY DISORDER 3. Identifiers: MedGen C5394250, MONDO:0030077, OMIM 618845.

Allele frequency attached by ClinVar (database versions not stated): gnomAD 0.00006; TOPMed 0.00006; gnomAD exomes 0.00010; ExAC 0.00020; ESP Exome Variant Server 0.00023; 1000 Genomes Project 30x 0.00031; 1000 Genomes Project 0.00040.

Submissions (3):

First Genomix Gene Laboratory, Genetic Diagnostics Department
Classification: Pathogenic for Vertebral, cardiac, renal, and limb defects syndrome 3. Last evaluated: 2025-03-20. Review status: criteria provided, single submitter. Criteria: ACMG Guidelines, 2015. Collection method: clinical testing. Allele origin: germline. Inheritance: Autosomal recessive inheritance. Affected: no. Observed: 1 variant allele.

Embryology Laboratory, Victor Chang Cardiac Research Institute
Classification: Likely pathogenic for Vertebral, cardiac, renal, and limb defects syndrome 3. Last evaluated: 2023-05-10. Review status: criteria provided, single submitter. Criteria: ACMG Guidelines, 2015. Collection method: research. Allele origin: biparental. Inheritance: Autosomal recessive inheritance. Affected: yes. Observed: 1 homozygote.

Ambry Genetics
Classification: Uncertain significance for Inborn genetic diseases. Last evaluated: 2021-10-21. Review status: criteria provided, single submitter. Criteria: Ambry Variant Classification Scheme 2023. Collection method: clinical testing. Allele origin: germline.

NM_018161.5(NADSYN1):c.379C>T (p.Arg127Cys)

Gene: NADSYN1 (NAD synthetase 1; plus strand). Cytogenetic location: 11q13.4.
Variant type: single nucleotide variant.
Coding change: c.379C>T on transcript NM_018161.5 (MANE Select); coding-DNA position 379, C replaced by T.
Protein change: p.Arg127Cys; replaces arginine 127 with cysteine.
Molecular consequence: missense variant.
Genome position (GRCh38, 1-based): chr11:71,464,114, C>T. VCF-style: chr11-71464114-C-T. GRCh37 (hg19) VCF-style: chr11-71175160-C-T.
Other names: short protein forms R127C.
Identifiers: ClinVar variation 2342520 (VCV002342520.16), dbSNP rs201096943, ClinGen allele CA6162944.
Genomic context (GRCh38, chr11:71,464,114, plus strand): 5'-AAGATCCTGCTCATCAGACCCAAGATGGCCTTGGCCAATGAAGGCAACTACCGCGAGCTG[C>T]GCTGGTTCACCCCGTGGTCGAGGAGTCGGTGAGTCGGGTGCCTGACCACTCCTGGGATGT-3'
Protein context (NP_060631.2, residues 117-137): LANEGNYREL[Arg127Cys]WFTPWSRSRH